The following is an entry in ClinVar:

NM_001903.5(CTNNA1):c.881T>C (p.Leu294Ser)

Gene: CTNNA1 (catenin alpha 1; plus strand). Cytogenetic location: 5q31.2.
Variant type: single nucleotide variant.
Coding change: c.881T>C on transcript NM_001903.5 (MANE Select); coding-DNA position 881, T replaced by C.
Protein change: p.Leu294Ser; replaces leucine 294 with serine.
Molecular consequence: missense variant.
Genome position (GRCh38, 1-based): chr5:138,827,537, T>C. VCF-style: chr5-138827537-T-C. GRCh37 (hg19) VCF-style: chr5-138163226-T-C.
Other names: c.881T>C, p.Leu294Ser (NM_001290307.3, NM_001323982.2, NM_001323983.1 and 3 more transcripts); c.572T>C, p.Leu191Ser (NM_001290309.3); c.512T>C, p.Leu171Ser (NM_001290310.3); short protein forms L294S, L191S, L171S.
Identifiers: ClinVar variation 1518445 (VCV001518445.8), dbSNP rs1315620177, ClinGen allele CA361130695.

ClinVar aggregate classification (germline): Uncertain significance (1 of 4 stars; one submission).

Allele frequency attached by ClinVar (database versions not stated): gnomAD exomes below 0.00001.
gnomAD v4.1: 1 of 1,613,760 alleles (0.000062%); highest among the groups gnomAD compares: Non-Finnish European, 0.000085%; no homozygotes.

Submission:

Labcorp Genetics (formerly Invitae), Labcorp
Classification: Uncertain significance. Last evaluated: 2021-03-23. Review status: criteria provided, single submitter. Criteria: Invitae Variant Classification Sherloc (09022015). Collection method: clinical testing. Allele origin: germline.
Comment: This sequence change replaces leucine with serine at codon 294 of the CTNNA1 protein (p.Leu294Ser). The leucine residue is highly conserved and there is a large physicochemical difference between leucine and serine. This variant is not present in population databases (ExAC no frequency). This variant has not been reported in the literature in individuals with CTNNA1-related conditions. In summary, the available evidence is currently insufficient to determine the role of this variant in disease. Therefore, it has been classified as a Variant of Uncertain Significance. Algorithms developed to predict the effect of missense changes on protein structure and function (SIFT, PolyPhen-2, Align-GVGD) all suggest that this variant is likely to be tolerated, but these predictions have not been confirmed by published functional studies and their clinical significance is uncertain.